The following is an entry in ClinVar:

NM_015488.5(PNKD):c.1129C>T (p.Arg377Trp)

Genes: CATIP-AS2 (CATIP antisense RNA 2; minus strand), PNKD (PNKD metallo-beta-lactamase domain containing; plus strand). Cytogenetic location: 2q35.
Variant type: single nucleotide variant.
Coding change: c.1129C>T on transcript NM_015488.5 (MANE Select); coding-DNA position 1129, C replaced by T.
Protein change: p.Arg377Trp; replaces arginine 377 with tryptophan.
Molecular consequence: missense variant.
Genome position (GRCh38, 1-based): chr2:218,344,952, C>T. VCF-style: chr2-218344952-C-T. GRCh37 (hg19) VCF-style: chr2-219209675-C-T.
Other names: c.1057C>T, p.Arg353Trp (NM_022572.5); short protein forms R353W, R377W.
Identifiers: ClinVar variation 1408112 (VCV001408112.6), dbSNP rs377569724, ClinGen allele CA2104213.

ClinVar aggregate classification (germline): Uncertain significance (1 of 4 stars; one submission).

Conditions:
Paroxysmal nonkinesigenic dyskinesia. Also called: Paroxysmal non-kinesigenic dyskinesia. Identifiers: Orphanet 98810, MedGen C1869117, MONDO:0700088.

Allele frequency attached by ClinVar (database versions not stated): gnomAD 0.00001; gnomAD exomes 0.00001 and 0.00002; TOPMed 0.00002; ExAC 0.00003; ESP Exome Variant Server 0.00008.
gnomAD v4.1: 10 of 1,613,764 alleles (0.00062%); highest among the groups gnomAD compares: South Asian, 0.0033%; no homozygotes.

Submission:

Labcorp Genetics (formerly Invitae), Labcorp
Classification: Uncertain significance for Paroxysmal nonkinesigenic dyskinesia. Last evaluated: 2022-03-18. Review status: criteria provided, single submitter. Criteria: Invitae Variant Classification Sherloc (09022015). Collection method: clinical testing. Allele origin: germline.
Comment: This sequence change replaces arginine, which is basic and polar, with tryptophan, which is neutral and slightly polar, at codon 377 of the PNKD protein (p.Arg377Trp). This variant is present in population databases (rs377569724, gnomAD 0.01%). This variant has not been reported in the literature in individuals affected with PNKD-related conditions. Algorithms developed to predict the effect of missense changes on protein structure and function are either unavailable or do not agree on the potential impact of this missense change (SIFT: "Deleterious"; PolyPhen-2: "Benign"; Align-GVGD: "Class C0"). In summary, the available evidence is currently insufficient to determine the role of this variant in disease. Therefore, it has been classified as a Variant of Uncertain Significance.